The following is an entry in ClinVar:

ClinVar aggregate classification (germline): Uncertain significance (1 of 4 stars; one submission).

Conditions:
DICER1-related tumor predisposition. Also called: DICER1-related pleuropulmonary blastoma cancer predisposition syndrome; DICER1 syndrome. Identifiers: Orphanet 284343, MedGen C3839822, MONDO:0100216.

Allele frequency attached by ClinVar (database versions not stated): gnomAD exomes below 0.00001.

Submission:

Labcorp Genetics (formerly Invitae), Labcorp
Classification: Uncertain significance for DICER1-related tumor predisposition. Last evaluated: 2025-09-14. Review status: criteria provided, single submitter. Criteria: Invitae Variant Classification Sherloc (09022015). Collection method: clinical testing. Allele origin: germline.
Comment: This sequence change replaces isoleucine, which is neutral and non-polar, with valine, which is neutral and non-polar, at codon 333 of the DICER1 protein (p.Ile333Val). This variant is not present in population databases (gnomAD no frequency). This variant has not been reported in the literature in individuals affected with DICER1-related conditions. ClinVar contains an entry for this variant (Variation ID: 2871044). Invitae Evidence Modeling of protein sequence and biophysical properties (such as structural, functional, and spatial information, amino acid conservation, physicochemical variation, residue mobility, and thermodynamic stability) indicates that this missense variant is not expected to disrupt DICER1 protein function with a negative predictive value of 95%. In summary, the available evidence is currently insufficient to determine the role of this variant in disease. Therefore, it has been classified as a Variant of Uncertain Significance.

NM_177438.3(DICER1):c.997A>G (p.Ile333Val)

Gene: DICER1 (dicer 1, ribonuclease III; minus strand). Cytogenetic location: 14q32.13.
Variant type: single nucleotide variant.
Coding change: c.997A>G on transcript NM_177438.3 (MANE Select); coding-DNA position 997, A replaced by G.
Protein change: p.Ile333Val; replaces isoleucine 333 with valine.
Molecular consequence: missense variant. On other transcripts: 5 prime UTR variant (1), non-coding transcript variant (6).
Genome position (GRCh38, 1-based): chr14:95,124,575, T>C on the plus strand (A>G on the coding strand, the complement: DICER1 is on the minus strand). VCF-style: chr14-95124575-T-C. GRCh37 (hg19) VCF-style: chr14-95590912-T-C.
Other names: c.997A>G, p.Ile333Val (NM_001195573.1, NM_001271282.3, NM_001291628.2 and 15 more transcripts); c.715A>G, p.Ile239Val (NM_001395686.1); c.592A>G, p.Ile198Val (NM_001395687.1, NM_001395688.1, NM_001395689.1 and 3 more transcripts); c.430A>G, p.Ile144Val (NM_001395691.1); c.-572A>G (NM_001395697.1); short protein forms I333V, I198V, I239V, I144V.
Identifiers: ClinVar variation 2871044 (VCV002871044.3), dbSNP rs2543184720, ClinGen allele CA390887198.
Genomic context (GRCh38, chr14:95,124,575, plus strand): 5'-TTAGGAAAGTGTCTGTAAACAATAAAAATTTCCTGTGCAGCTCCTCTTGCTCATGTTTGA[T>C]GTATTTCTGTAGTTCTCTTACCATCATTCCAGCTACTTTATCTGCACACCAGGGTCCCAG-3'
Protein context (NP_803187.1, residues 323-343): GMMVRELQKY[Ile333Val]KHEQEELHRK